The following is an entry in ClinVar:

ClinVar aggregate classification (germline): Benign. Review status: criteria provided, multiple submitters, no conflicts (2 of 4 stars). 2 submissions from 2 submitters: Benign (2). Last evaluated 2018-06-14.

Allele frequency attached by ClinVar (database versions not stated): TOPMed 0.33603; 1000 Genomes Project 0.48442; gnomAD exomes 0.27254; gnomAD 0.31355 and 0.32400; 1000 Genomes Project 30x 0.47502.

Submissions (2):

GeneDx
Classification: Benign. Last evaluated: 2018-06-14. Review status: criteria provided, single submitter. Criteria: GeneDx Variant Classification (06012015). Collection method: clinical testing. Allele origin: germline. Affected: yes.
Comment: This variant is considered likely benign or benign based on one or more of the following criteria: it is a conservative change, it occurs at a poorly conserved position in the protein, it is predicted to be benign by multiple in silico algorithms, and/or has population frequency not consistent with disease.

Breakthrough Genomics
Classification: Benign. Review status: criteria provided, single submitter. Criteria: ACMG Guidelines, 2015. Collection method: not provided. Allele origin: germline. Inheritance: Autosomal recessive inheritance. Affected: yes.

NM_006996.2(SLC19A2):c.-431C>G

Genes: SLC19A2 (solute carrier family 19 member 2; minus strand), LOC120893165 (Sharpr-MPRA regulatory region 5964; plus strand). Cytogenetic location: 1q24.2.
Variant type: single nucleotide variant.
Coding change: c.-431C>G on transcript NM_006996.2; 431 bases upstream of the start codon, C replaced by G.
Genome position (GRCh38, 1-based): chr1:169,486,197, G>C on the plus strand (C>G on the coding strand, the complement: SLC19A2 is on the minus strand). VCF-style: chr1-169486197-G-C. GRCh37 (hg19) VCF-style: chr1-169455435-G-C.
Identifiers: ClinVar variation 683850 (VCV000683850.4), dbSNP rs2056926, ClinGen allele CA10783597.